The following is an entry in ClinVar:

ClinVar aggregate classification (germline): Uncertain significance (1 of 4 stars; one submission).

Allele frequency attached by ClinVar (database versions not stated): gnomAD exomes below 0.00001; ExAC 0.00001.
gnomAD v4.1: 1 of 1,614,098 alleles (0.000062%); highest among the groups gnomAD compares: Non-Finnish European, 0.000085%; no homozygotes.

Submission:

Labcorp Genetics (formerly Invitae), Labcorp
Classification: Uncertain significance. Last evaluated: 2024-04-05. Review status: criteria provided, single submitter. Criteria: Invitae Variant Classification Sherloc (09022015). Collection method: clinical testing. Allele origin: germline.
Comment: This sequence change replaces glycine, which is neutral and non-polar, with arginine, which is basic and polar, at codon 2240 of the POLE protein (p.Gly2240Arg). This variant is present in population databases (rs746384198, gnomAD 0.0009%). This variant has not been reported in the literature in individuals affected with POLE-related conditions. ClinVar contains an entry for this variant (Variation ID: 1992722). Advanced modeling of protein sequence and biophysical properties (such as structural, functional, and spatial information, amino acid conservation, physicochemical variation, residue mobility, and thermodynamic stability) performed at Invitae indicates that this missense variant is expected to disrupt POLE protein function with a positive predictive value of 80%. In summary, the available evidence is currently insufficient to determine the role of this variant in disease. Therefore, it has been classified as a Variant of Uncertain Significance.

NM_006231.4(POLE):c.6718G>A (p.Gly2240Arg)

Gene: POLE (DNA polymerase epsilon, catalytic subunit; minus strand). Cytogenetic location: 12q24.33.
Variant type: single nucleotide variant.
Coding change: c.6718G>A on transcript NM_006231.4 (MANE Select); coding-DNA position 6718, G replaced by A.
Protein change: p.Gly2240Arg; replaces glycine 2240 with arginine.
Molecular consequence: missense variant.
Genome position (GRCh38, 1-based): chr12:132,624,934, C>T on the plus strand (G>A on the coding strand, the complement: POLE is on the minus strand). VCF-style: chr12-132624934-C-T. GRCh37 (hg19) VCF-style: chr12-133201520-C-T.
Other names: short protein forms G2240R.
Identifiers: ClinVar variation 1992722 (VCV001992722.4), dbSNP rs746384198, ClinGen allele CA6892008.